The following is an entry in ClinVar:

NM_000038.6(APC):c.2785C>T (p.His929Tyr)

Gene: APC (APC regulator of Wnt signaling pathway; plus strand). Cytogenetic location: 5q22.2.
Variant type: single nucleotide variant.
Coding change: c.2785C>T on transcript NM_000038.6 (MANE Select); coding-DNA position 2785, C replaced by T.
Protein change: p.His929Tyr; replaces histidine 929 with tyrosine.
Molecular consequence: missense variant.
Genome position (GRCh38, 1-based): chr5:112,838,379, C>T. VCF-style: chr5-112838379-C-T. GRCh37 (hg19) VCF-style: chr5-112174076-C-T.
Other names: c.2785C>T, p.His929Tyr (NM_001127510.3, NM_001354895.2); c.2731C>T, p.His911Tyr (NM_001127511.3); c.2839C>T, p.His947Tyr (NM_001354896.2); c.2815C>T, p.His939Tyr (NM_001354897.2); c.2710C>T, p.His904Tyr (NM_001354898.2); c.2701C>T, p.His901Tyr (NM_001354899.2); c.2662C>T, p.His888Tyr (NM_001354900.2); c.2608C>T, p.His870Tyr (NM_001354901.2); and 5 more; short protein forms H911Y, H929Y, H901Y, H904Y, H939Y, H947Y, H803Y, H838Y.
Identifiers: ClinVar variation 482384 (VCV000482384.41), dbSNP rs1183098771, ClinGen allele CA16027405.

ClinVar aggregate classification (germline): Uncertain significance. Review status: criteria provided, multiple submitters, no conflicts (2 of 4 stars). 7 submissions from 7 submitters: Uncertain significance (7). Last evaluated 2025-12-10.

Conditions:
Classic or attenuated familial adenomatous polyposis. Identifiers: MedGen CN372698, MONDO:0021057.
Familial adenomatous polyposis 1 (FAP1). Also called: FAMILIAL ADENOMATOUS POLYPOSIS 1, ATTENUATED; POLYPOSIS, ADENOMATOUS INTESTINAL. Identifiers: MedGen C2713442, MONDO:0021056, OMIM 175100. Disease mechanism: loss of function.
Hereditary cancer-predisposing syndrome. Also called: Hereditary neoplastic syndrome; Tumor predisposition; Neoplastic Syndromes, Hereditary; Hereditary Cancer Syndrome. Identifiers: Orphanet 140162, MedGen C0027672, MeSH D009386, MONDO:0015356.

Allele frequency attached by ClinVar (database versions not stated): gnomAD exomes below 0.00001; gnomAD 0.00001.
gnomAD v4.1: 4 of 1,614,006 alleles (0.00025%); highest among the groups gnomAD compares: South Asian, 0.0011%; no homozygotes.

Submissions (7):

Labcorp Genetics (formerly Invitae), Labcorp
Classification: Uncertain significance for Familial adenomatous polyposis 1. Last evaluated: 2025-12-10. Review status: criteria provided, single submitter. Criteria: Invitae Variant Classification Sherloc (09022015). Collection method: clinical testing. Allele origin: germline.
Comment: This sequence change replaces histidine, which is basic and polar, with tyrosine, which is neutral and polar, at codon 929 of the APC protein (p.His929Tyr). This variant is present in population databases (no rsID available, gnomAD 0.0009%). This variant has not been reported in the literature in individuals affected with APC-related conditions. ClinVar contains an entry for this variant (Variation ID: 482384). Invitae Evidence Modeling of protein sequence and biophysical properties (such as structural, functional, and spatial information, amino acid conservation, physicochemical variation, residue mobility, and thermodynamic stability) indicates that this missense variant is not expected to disrupt APC protein function with a negative predictive value of 95%. In summary, the available evidence is currently insufficient to determine the role of this variant in disease. Therefore, it has been classified as a Variant of Uncertain Significance.

Center for Genomic Medicine, Rigshospitalet, Copenhagen University Hospital
Classification: Uncertain significance. Last evaluated: 2025-03-04. Review status: criteria provided, single submitter. Criteria: ACMG Guidelines, 2015. Collection method: clinical testing. Allele origin: germline.

Color Diagnostics, LLC DBA Color Health
Classification: Uncertain significance for Hereditary cancer-predisposing syndrome. Last evaluated: 2025-02-11. Review status: criteria provided, single submitter. Criteria: ACMG Guidelines, 2015. Collection method: clinical testing. Allele origin: germline.
Comment: This missense variant replaces histidine with tyrosine at codon 929 of the APC gene. Computational prediction suggests that this variant may not impact protein structure and function. To our knowledge, functional studies have not been reported for this variant. This variant has not been reported in individuals affected with APC-related disorders in the literature. This variant has been identified in 4/1614006 chromosomes in the general population by the Genome Aggregation Database (gnomAD). The available evidence is insufficient to determine the role of this variant in disease conclusively. Therefore, this variant is classified as a Variant of Uncertain Significance.

CeGaT Center for Human Genetics Tuebingen
Classification: Uncertain significance. Last evaluated: 2024-08-01. Review status: criteria provided, single submitter. Criteria: CeGaT Center For Human Genetics Tuebingen Variant Classification Criteria Version 2. Collection method: clinical testing. Allele origin: germline. Affected: yes. Observed: 1 variant allele.

Ambry Genetics
Classification: Uncertain significance for Hereditary cancer-predisposing syndrome. Last evaluated: 2024-02-20. Review status: criteria provided, single submitter. Criteria: Ambry Variant Classification Scheme 2023. Collection method: clinical testing. Allele origin: germline.
Comment: The p.H929Y variant (also known as c.2785C>T), located in coding exon 15 of the APC gene, results from a C to T substitution at nucleotide position 2785. The histidine at codon 929 is replaced by tyrosine, an amino acid with similar properties. This amino acid position is well conserved in available vertebrate species. In addition, in silico predictors for this gene do not accurately predict pathogenicity. Since supporting evidence is limited at this time, the clinical significance of this alteration remains unclear.

All of Us Research Program, National Institutes of Health
Classification: Uncertain significance for Classic or attenuated familial adenomatous polyposis. Last evaluated: 2023-09-04. Review status: criteria provided, single submitter. Criteria: ACMG Guidelines, 2015. Collection method: clinical testing. Allele origin: germline. Inheritance: Autosomal dominant inheritance. Observed: 1 variant allele, 1 heterozygote.
Comment: This missense variant replaces histidine with tyrosine at codon 929 of the APC gene. Computational prediction suggests that this variant may not impact protein structure and function (internally defined REVEL score threshold <= 0.5, PMID: 27666373). To our knowledge, functional studies have not been reported for this variant. This variant has not been reported in individuals affected with APC-related disorders in the literature. This variant has been identified in 1/250816 chromosomes in the general population by the Genome Aggregation Database (gnomAD). The available evidence is insufficient to determine the role of this variant in disease conclusively. Therefore, this variant is classified as a Variant of Uncertain Significance.

This study involves interpretation of variants in research participants for the purpose of population health screening. Participant phenotype was not available at the time of variant classification. Additional details can be found in publication PMID: 35346344, PMCID: PMC8962531

GeneDx
Classification: Uncertain significance. Last evaluated: 2022-09-13. Review status: criteria provided, single submitter. Criteria: GeneDx Variant Classification Process June 2021. Collection method: clinical testing. Allele origin: germline. Affected: yes.
Comment: Not observed at significant frequency in large population cohorts (gnomAD); In silico analysis supports that this missense variant does not alter protein structure/function; Has not been previously published as pathogenic or benign to our knowledge